The following is an entry in ClinVar:

ClinVar aggregate classification (germline): Uncertain significance (1 of 4 stars; one submission).

Conditions:
Inborn genetic diseases. Identifiers: MedGen C0950123, MeSH D030342.

Allele frequency attached by ClinVar (database versions not stated): TOPMed below 0.00001.

Submission:

Ambry Genetics
Classification: Uncertain significance for Inborn genetic diseases. Last evaluated: 2024-01-25. Review status: criteria provided, single submitter. Criteria: Ambry Variant Classification Scheme 2023. Collection method: clinical testing. Allele origin: germline.
Comment: The c.889G>T (p.V297L) alteration is located in exon 1 (coding exon 1) of the SOX11 gene. This alteration results from a G to T substitution at nucleotide position 889, causing the valine (V) at amino acid position 297 to be replaced by a leucine (L). This variant was not reported in population-based cohorts in the Genome Aggregation Database (gnomAD). This amino acid position is well conserved in available vertebrate species. This missense alteration is located in a region that has a low rate of benign missense variation (Lek, 2016; Firth, 2009). The in silico prediction for this alteration is inconclusive. Based on insufficient or conflicting evidence, the clinical significance of this alteration remains unclear.

NM_003108.4(SOX11):c.889G>T (p.Val297Leu)

Gene: SOX11 (SRY-box transcription factor 11; plus strand). Cytogenetic location: 2p25.2.
Variant type: single nucleotide variant.
Coding change: c.889G>T on transcript NM_003108.4 (MANE Select); coding-DNA position 889, G replaced by T.
Protein change: p.Val297Leu; replaces valine 297 with leucine.
Molecular consequence: missense variant.
Genome position (GRCh38, 1-based): chr2:5,693,610, G>T. VCF-style: chr2-5693610-G-T. GRCh37 (hg19) VCF-style: chr2-5833742-G-T.
Other names: short protein forms V297L.
Identifiers: ClinVar variation 3167710 (VCV003167710.1), dbSNP rs1665677461, ClinGen allele CA345867672.